The following is an entry in ClinVar:

ClinVar aggregate classification (germline): Uncertain significance. Review status: criteria provided, multiple submitters, no conflicts (2 of 4 stars). 5 submissions from 5 submitters: Uncertain significance (3). 2 of the submissions do not count toward it. Last evaluated 2024-10-31.

Conditions:
Combined oxidative phosphorylation defect type 14. Also called: Combined oxidative phosphorylation deficiency 14. Identifiers: Orphanet 319519, MedGen C4755312, MONDO:0013986, OMIM 614946.

Allele frequency attached by ClinVar (database versions not stated): TOPMed 0.00004; gnomAD 0.00005.

Submissions (5):

Labcorp Genetics (formerly Invitae), Labcorp
Classification: Uncertain significance for Combined oxidative phosphorylation defect type 14. Last evaluated: 2024-10-31. Review status: criteria provided, single submitter. Criteria: Invitae Variant Classification Sherloc (09022015). Collection method: clinical testing. Allele origin: germline.
Comment: This sequence change replaces arginine, which is basic and polar, with histidine, which is basic and polar, at codon 330 of the FARS2 protein (p.Arg330His). This variant is present in population databases (no rsID available, gnomAD 0.006%). This missense change has been observed in individual(s) with clinical features of FARS2-related conditions (PMID: 33168986). ClinVar contains an entry for this variant (Variation ID: 214334). Invitae Evidence Modeling of protein sequence and biophysical properties (such as structural, functional, and spatial information, amino acid conservation, physicochemical variation, residue mobility, and thermodynamic stability) indicates that this missense variant is expected to disrupt FARS2 protein function with a positive predictive value of 95%. In summary, the available evidence is currently insufficient to determine the role of this variant in disease. Therefore, it has been classified as a Variant of Uncertain Significance.

Blueprint Genetics
Classification: Uncertain significance. Last evaluated: 2024-09-11. Review status: criteria provided, single submitter. Criteria: ACMG Guidelines, 2015. Collection method: clinical testing. Allele origin: germline.

GeneDx
Classification: Uncertain significance. Last evaluated: 2015-10-19. Review status: criteria provided, single submitter. Criteria: GeneDx Variant Classification (06012015). Collection method: clinical testing. Allele origin: germline. Affected: yes.
Comment: The R330H variant has not been published as a pathogenic variant, nor has it been reported as a benign variant to our knowledge. The R330H variant is a conservative amino acid substitution, which is not likely to impact secondary protein structure as these residues share similar properties. This substitution occurs at a position that is conserved across species. In silico analysis predicts this variant is probably damaging to the protein structure/function. Missense variants in nearby residues (D325Y, I329T) have been reported in the Human Gene Mutation Database in association with infantile-onset epilepsy and the mitochondrial encephalopathy, fatal infantile Alpers (Stenson et al., 2014), supporting the functional importance of this region of the protein. Therefore, based on the currently available information, it is unclear whether this variant is a pathogenic variant or a rare benign variant.

Laboratoire de Génétique Moléculaire Institut de Recherche Necker Enfants Malades, CHU Paris - Hôpital Necker-Enfants Malades
Classification: Pathogenic for Combined oxidative phosphorylation deficiency 14. Last evaluated: 2019-12-12. Review status: no assertion criteria provided. Collection method: clinical testing. Allele origin: germline. Affected: yes. Not counted in ClinVar's aggregate classification.

Mayo Clinic Laboratories, Mayo Clinic
Classification: Uncertain significance. Last evaluated: 2017-08-04. Review status: no assertion criteria provided. Collection method: clinical testing. Allele origin: unknown. Not counted in ClinVar's aggregate classification.

Literature cited by the submitters: PubMed 33168986 (cited by Labcorp Genetics (formerly Invitae), Labcorp).

NM_006567.5(FARS2):c.989G>A (p.Arg330His)

Gene: FARS2 (phenylalanyl-tRNA synthetase 2, mitochondrial; plus strand). Cytogenetic location: 6p25.1.
Variant type: single nucleotide variant.
Coding change: c.989G>A on transcript NM_006567.5 (MANE Select); coding-DNA position 989, G replaced by A.
Protein change: p.Arg330His; replaces arginine 330 with histidine.
Molecular consequence: missense variant.
Genome position (GRCh38, 1-based): chr6:5,545,264, G>A. VCF-style: chr6-5545264-G-A. GRCh37 (hg19) VCF-style: chr6-5545497-G-A.
Other names: p.R330H:CGT>CAT; c.989G>A, p.Arg330His (NM_001318872.2, NM_001374875.1, NM_001374876.1 and 4 more transcripts); c.857G>A, p.Arg286His (NM_001375258.1); c.293G>A, p.Arg98His (NM_001375259.1, NM_001375260.1); short protein forms R330H, R286H, R98H.
Identifiers: ClinVar variation 214334 (VCV000214334.16), dbSNP rs863223957, ClinGen allele CA322753.